The following is an entry in ClinVar:

ClinVar aggregate classification (germline): Uncertain significance. Review status: criteria provided, multiple submitters, no conflicts (2 of 4 stars). 3 submissions from 3 submitters: Uncertain significance (3). Last evaluated 2025-06-10.

Conditions:
Developmental and epileptic encephalopathy, 42 (DEE42A). Also called: DEVELOPMENTAL AND EPILEPTIC ENCEPHALOPATHY 42A; EPILEPTIC ENCEPHALOPATHY, EARLY INFANTILE, 42A; Epileptic encephalopathy, early infantile, 42. Identifiers: MedGen C4310716, MONDO:0014917, OMIM 617106.
Episodic ataxia type 2 (EA2). Also called: CEREBELLAR ATAXIA, PAROXYSMAL, ACETAZOLAMIDE-RESPONSIVE; CEREBELLOPATHY, HEREDITARY PAROXYSMAL; EPISODIC ATAXIA, NYSTAGMUS-ASSOCIATED; ACETAZOLAMIDE-RESPONSIVE HEREDITARY PAROXYSMAL CEREBELLAR ATAXIA; ATAXIA, EPISODIC, WITH NYSTAGMUS; ATAXIA, FAMILIAL PAROXYSMAL. Identifiers: Orphanet 97, MedGen C1720416, MONDO:0007163, OMIM 108500.
Inborn genetic diseases. Identifiers: MedGen C0950123, MeSH D030342.

Allele frequency attached by ClinVar (database versions not stated): gnomAD exomes below 0.00001; ExAC 0.00001; gnomAD 0.00001; TOPMed 0.00001.
gnomAD v4.1: 10 of 1,612,622 alleles (0.00062%); highest among the groups gnomAD compares: South Asian, 0.0022%; no homozygotes.

Submissions (3):

Ambry Genetics
Classification: Uncertain significance for Inborn genetic diseases. Last evaluated: 2025-06-10. Review status: criteria provided, single submitter. Criteria: Ambry Variant Classification Scheme 2023. Collection method: clinical testing. Allele origin: germline.
Comment: Unlikely to be causative of CACNA1A-related spinocerebellar ataxia (AD). Loss of function has not been established as a mechanism of disease for CACNA1A-related spinocerebellar ataxia (AD). Based on insufficient or conflicting evidence, the clinical significance of this alteration remains unclear.

Labcorp Genetics (formerly Invitae), Labcorp
Classification: Uncertain significance for Developmental and epileptic encephalopathy, 42; Episodic ataxia type 2. Last evaluated: 2024-09-24. Review status: criteria provided, single submitter. Criteria: Invitae Variant Classification Sherloc (09022015). Collection method: clinical testing. Allele origin: germline.
Comment: This sequence change replaces valine, which is neutral and non-polar, with methionine, which is neutral and non-polar, at codon 1953 of the CACNA1A protein (p.Val1953Met). This variant is present in population databases (rs749251058, gnomAD 0.003%). This variant has not been reported in the literature in individuals affected with CACNA1A-related conditions. ClinVar contains an entry for this variant (Variation ID: 1040406). Invitae Evidence Modeling of protein sequence and biophysical properties (such as structural, functional, and spatial information, amino acid conservation, physicochemical variation, residue mobility, and thermodynamic stability) has been performed for this missense variant. However, the output from this modeling did not meet the statistical confidence thresholds required to predict the impact of this variant on CACNA1A protein function. In summary, the available evidence is currently insufficient to determine the role of this variant in disease. Therefore, it has been classified as a Variant of Uncertain Significance.

GeneDx
Classification: Uncertain significance. Last evaluated: 2020-10-20. Review status: criteria provided, single submitter. Criteria: GeneDx Variant Classification Process June 2021. Collection method: clinical testing. Allele origin: germline. Affected: yes.
Comment: Not observed at a significant frequency in large population cohorts (Lek et al., 2016); In silico analysis supports that this missense variant has a deleterious effect on protein structure/function; Has not been previously published as pathogenic or benign to our knowledge

NM_001127222.2(CACNA1A):c.5854G>A (p.Val1952Met)

Gene: CACNA1A (calcium voltage-gated channel subunit alpha1 A; minus strand). Cytogenetic location: 19p13.13.
Variant type: single nucleotide variant.
Coding change: c.5854G>A on transcript NM_001127222.2 (MANE Select); coding-DNA position 5854, G replaced by A.
Protein change: p.Val1952Met; replaces valine 1952 with methionine.
Molecular consequence: missense variant.
Genome position (GRCh38, 1-based): chr19:13,214,319, C>T on the plus strand (G>A on the coding strand, the complement: CACNA1A is on the minus strand). VCF-style: chr19-13214319-C-T. GRCh37 (hg19) VCF-style: chr19-13325133-C-T.
Other names: c.5863G>A, p.Val1955Met (NM_001174080.2); c.5872G>A, p.Val1958Met (NM_023035.3, NM_000068.4); c.5857G>A, p.Val1953Met (NM_001127221.2); short protein forms V1953M, V1955M, V1952M, V1958M.
Identifiers: ClinVar variation 1040406 (VCV001040406.16), dbSNP rs749251058, ClinGen allele CA9239557.